The following is an entry in ClinVar:

ClinVar aggregate classification (germline): Uncertain significance (1 of 4 stars; one submission).

gnomAD v4.1: 1 of 1,614,180 alleles (0.000062%); no homozygotes.

Submission:

Labcorp Genetics (formerly Invitae), Labcorp
Classification: Uncertain significance. Last evaluated: 2025-05-02. Review status: criteria provided, single submitter. Criteria: Invitae Variant Classification Sherloc (09022015). Collection method: clinical testing. Allele origin: germline.
Comment: This sequence change replaces cysteine, which is neutral and slightly polar, with serine, which is neutral and polar, at codon 521 of the GLIS3 protein (p.Cys521Ser). This variant is not present in population databases (gnomAD no frequency). This variant has not been reported in the literature in individuals affected with GLIS3-related conditions. An algorithm developed to predict the effect of missense changes on protein structure and function (PolyPhen-2) suggests that this variant is likely to be disruptive. In summary, the available evidence is currently insufficient to determine the role of this variant in disease. Therefore, it has been classified as a Variant of Uncertain Significance.

NM_001042413.2(GLIS3):c.2026T>A (p.Cys676Ser)

Genes: GLIS3 (GLIS family zinc finger 3; minus strand), GLIS3-AS1 (GLIS3 antisense RNA 1; plus strand). Cytogenetic location: 9p24.2.
Variant type: single nucleotide variant.
Coding change: c.2026T>A on transcript NM_001042413.2 (MANE Select); coding-DNA position 2026, T replaced by A.
Protein change: p.Cys676Ser; replaces cysteine 676 with serine.
Molecular consequence: missense variant. On other transcripts: non-coding transcript variant (1).
Genome position (GRCh38, 1-based): chr9:3,898,793, A>T on the plus strand (T>A on the coding strand, the complement: GLIS3 is on the minus strand). VCF-style: chr9-3898793-A-T. GRCh37 (hg19) VCF-style: chr9-3898793-A-T.
Other names: c.2026T>A, p.Cys676Ser (NM_001438906.1, NM_001438907.1, NM_001438908.1); c.1561T>A, p.Cys521Ser (NM_001438909.1, NM_152629.4); c.1360T>A, p.Cys454Ser (NM_001438911.1, NM_001438912.1); short protein forms C521S, C454S, C676S.
Identifiers: ClinVar variation 4718257 (VCV004718257.1).